The following is an entry in ClinVar:

ClinVar aggregate classification (germline): Uncertain significance. Review status: reviewed by expert panel (3 of 4 stars). 2 submissions from 2 submitters: Uncertain significance (1). 1 of the submissions does not count toward it. Last evaluated 2025-03-26.

Conditions:
Hereditary thrombocytopenia and hematologic cancer predisposition syndrome. Identifiers: Orphanet 71290, MedGen CN281654, MONDO:0011071.
Hereditary thrombocytopenia and hematological cancer predisposition syndrome associated with RUNX1. Also called: PLATELET DISORDER, ASPIRIN-LIKE; RUNX1 Familial Platelet Disorder with Associated Myeloid Malignancies; Familial Platelet Disorder with Propensity to Acute Myelogenous Leukemia; Familial thrombocytopenia with propensity to acute myelogenous leukemia. Identifiers: Orphanet 71290, MedGen C1832388, MeSH C563324, MONDO:0100083, OMIM 601399.

Submissions (2):

ClinGen Myeloid Malignancy Variant Curation Expert Panel
Classification: Uncertain significance for Hereditary thrombocytopenia and hematologic cancer predisposition syndrome. Last evaluated: 2025-03-26. Review status: reviewed by expert panel. Criteria: ClinGen MyeloMalig ACMG Specifications v2. Collection method: curation. Allele origin: germline. Inheritance: Autosomal dominant inheritance.
Comment: NM_001754.5(RUNX1):c.135C>G (p.Thr45=) is a synonymous variant which is completely absent from all population databases with at least 20x coverage for RUNX1 (PM2_supporting). This variant has a SpliceAI score ≤ 0.20 (0.01) (BP4). In summary, the clinical significance of this variant is uncertain. ACMG/AMP criteria applied, as specified by the Myeloid Malignancy Variant Curation Expert Panel for RUNX1: PM2_supporting, BP4.

Labcorp Genetics (formerly Invitae), Labcorp
Classification: Likely benign for Hereditary thrombocytopenia and hematological cancer predisposition syndrome associated with RUNX1. Last evaluated: 2022-07-19. Review status: criteria provided, single submitter. Criteria: Invitae Variant Classification Sherloc (09022015). Collection method: clinical testing. Allele origin: germline. Not counted in ClinVar's aggregate classification.

NM_001754.5(RUNX1):c.135C>G (p.Thr45=)

Gene: RUNX1 (RUNX family transcription factor 1; minus strand). Cytogenetic location: 21q22.12.
Variant type: single nucleotide variant.
Coding change: c.135C>G on transcript NM_001754.5 (MANE Select); coding-DNA position 135, C replaced by G.
Protein change: p.Thr45=; no amino-acid change (threonine 45 retained).
Molecular consequence: synonymous variant.
Genome position (GRCh38, 1-based): chr21:34,887,059, G>C on the plus strand (C>G on the coding strand, the complement: RUNX1 is on the minus strand). VCF-style: chr21-34887059-G-C. GRCh37 (hg19) VCF-style: chr21-36259356-G-C.
Other names: NM_001754.5(RUNX1):c.135C>G; p.Thr45=; c.54C>G, p.Thr18= (NM_001001890.3, NM_001122607.2).
Identifiers: ClinVar variation 1078477 (VCV001078477.12), dbSNP rs1378434360, ClinGen allele CA512318974.